The following is an entry in ClinVar:

NM_004706.4(ARHGEF1):c.781A>G (p.Thr261Ala)

Gene: ARHGEF1 (Rho guanine nucleotide exchange factor 1; plus strand). Cytogenetic location: 19q13.2.
Variant type: single nucleotide variant.
Coding change: c.781A>G on transcript NM_004706.4 (MANE Select); coding-DNA position 781, A replaced by G.
Protein change: p.Thr261Ala; replaces threonine 261 with alanine.
Molecular consequence: missense variant. On other transcripts: non-coding transcript variant (2).
Genome position (GRCh38, 1-based): chr19:41,894,487, A>G. VCF-style: chr19-41894487-A-G. GRCh37 (hg19) VCF-style: chr19-42398560-A-G.
Other names: c.781A>G, p.Thr261Ala (NM_001396000.1, NM_001396003.1, NM_001396006.1); c.682A>G, p.Thr228Ala (NM_001396002.1, NM_001396004.1, NM_198977.2); c.826A>G, p.Thr276Ala (NM_199002.2); short protein forms T276A, T228A, T261A.
Identifiers: ClinVar variation 2764803 (VCV002764803.3), dbSNP rs2513808668, ClinGen allele CA406052323.

ClinVar aggregate classification (germline): Uncertain significance (1 of 4 stars; one submission).

Submission:

Labcorp Genetics (formerly Invitae), Labcorp
Classification: Uncertain significance. Last evaluated: 2024-01-09. Review status: criteria provided, single submitter. Criteria: Invitae Variant Classification Sherloc (09022015). Collection method: clinical testing. Allele origin: germline.
Comment: This sequence change replaces threonine, which is neutral and polar, with alanine, which is neutral and non-polar, at codon 276 of the ARHGEF1 protein (p.Thr276Ala). This variant is not present in population databases (gnomAD no frequency). This variant has not been reported in the literature in individuals affected with ARHGEF1-related conditions. An algorithm developed to predict the effect of missense changes on protein structure and function (PolyPhen-2) suggests that this variant is likely to be tolerated. In summary, the available evidence is currently insufficient to determine the role of this variant in disease. Therefore, it has been classified as a Variant of Uncertain Significance.